The following is an entry in ClinVar:

NM_006922.4(SCN3A):c.2133T>G (p.Ile711Met)

Gene: SCN3A (sodium voltage-gated channel alpha subunit 3; minus strand). Cytogenetic location: 2q24.3.
Variant type: single nucleotide variant.
Coding change: c.2133T>G on transcript NM_006922.4 (MANE Select); coding-DNA position 2133, T replaced by G.
Protein change: p.Ile711Met; replaces isoleucine 711 with methionine.
Molecular consequence: missense variant.
Genome position (GRCh38, 1-based): chr2:165,139,495, A>C on the plus strand (T>G on the coding strand, the complement: SCN3A is on the minus strand). VCF-style: chr2-165139495-A-C. GRCh37 (hg19) VCF-style: chr2-165996005-A-C.
Other names: c.1986T>G, p.Ile662Met (NM_001081676.2, NM_001081677.2); short protein forms I662M, I711M.
Identifiers: ClinVar variation 2151353 (VCV002151353.4), dbSNP rs749978387, ClinGen allele CA1939016.
Genomic context (GRCh38, chr2:165,139,495, plus strand): 5'-ATAATCACAGAAAGTTGGCTGTTCCATGACCTGCTTCTTACCTTCCATTGTGTTGGTCAG[A>C]ATGCTGGCTATGCTCACGGCTCTTTGCCTTCCAGAGGAATCCTCCAGCATCTCCATTGAA-3'
Protein context (NP_008853.3, residues 701-721): GRQRAVSIAS[Ile711Met]LTNTMEELEE

ClinVar aggregate classification (germline): Uncertain significance (1 of 4 stars; one submission).

Allele frequency attached by ClinVar (database versions not stated): ExAC 0.00001; TOPMed 0.00001.
gnomAD v4.1: 4 of 1,613,790 alleles (0.00025%); highest among the groups gnomAD compares: Admixed American, 0.0067%; no homozygotes.

Submission:

Labcorp Genetics (formerly Invitae), Labcorp
Classification: Uncertain significance. Last evaluated: 2023-09-19. Review status: criteria provided, single submitter. Criteria: Invitae Variant Classification Sherloc (09022015). Collection method: clinical testing. Allele origin: germline.
Comment: This sequence change replaces isoleucine, which is neutral and non-polar, with methionine, which is neutral and non-polar, at codon 711 of the SCN3A protein (p.Ile711Met). This variant is present in population databases (rs749978387, gnomAD 0.003%). This variant has not been reported in the literature in individuals affected with SCN3A-related conditions. ClinVar contains an entry for this variant (Variation ID: 2151353). Advanced modeling of protein sequence and biophysical properties (such as structural, functional, and spatial information, amino acid conservation, physicochemical variation, residue mobility, and thermodynamic stability) performed at Invitae indicates that this missense variant is not expected to disrupt SCN3A protein function. In summary, the available evidence is currently insufficient to determine the role of this variant in disease. Therefore, it has been classified as a Variant of Uncertain Significance.